The following is an entry in ClinVar:

ClinVar aggregate classification (germline): Uncertain significance. Review status: criteria provided, multiple submitters, no conflicts (2 of 4 stars). 3 submissions from 3 submitters: Uncertain significance (3). Last evaluated 2026-04-16.

Conditions:
Mitochondrial complex II deficiency, nuclear type 1. Also called: SUCCINATE CoQ REDUCTASE DEFICIENCY. Identifiers: Orphanet 3208, MedGen C5700310, MONDO:0100294, OMIM 252011.
Pheochromocytoma/paraganglioma syndrome 5. Also called: Paragangliomas 5; SDHA-Related Hereditary Paraganglioma-Pheochromocytoma Syndrome. Identifiers: Orphanet 29072, MedGen C3279992, MONDO:0013602, OMIM 614165.
Hereditary cancer-predisposing syndrome. Also called: Tumor predisposition; Hereditary neoplastic syndrome; Neoplastic Syndromes, Hereditary; Hereditary Cancer Syndrome. Identifiers: Orphanet 140162, MedGen C0027672, MeSH D009386, MONDO:0015356.

Allele frequency attached by ClinVar (database versions not stated): gnomAD exomes 0.00001.
gnomAD v4.1: 9 of 1,614,150 alleles (0.00056%); highest among the groups gnomAD compares: Middle Eastern, 0.017%; no homozygotes.

Submissions (3):

Ambry Genetics
Classification: Uncertain significance for Hereditary cancer-predisposing syndrome. Last evaluated: 2026-04-16. Review status: criteria provided, single submitter. Criteria: Ambry Variant Classification Scheme 2023. Collection method: clinical testing. Allele origin: germline.

Labcorp Genetics (formerly Invitae), Labcorp
Classification: Uncertain significance for Pheochromocytoma/paraganglioma syndrome 5; Mitochondrial complex II deficiency, nuclear type 1. Last evaluated: 2025-07-31. Review status: criteria provided, single submitter. Criteria: Invitae Variant Classification Sherloc (09022015). Collection method: clinical testing. Allele origin: germline.
Comment: This sequence change replaces glycine, which is neutral and non-polar, with aspartic acid, which is acidic and polar, at codon 302 of the SDHA protein (p.Gly302Asp). This variant is not present in population databases (gnomAD no frequency). This variant has not been reported in the literature in individuals affected with SDHA-related conditions. ClinVar contains an entry for this variant (Variation ID: 1023295). Invitae Evidence Modeling of protein sequence and biophysical properties (such as structural, functional, and spatial information, amino acid conservation, physicochemical variation, residue mobility, and thermodynamic stability) indicates that this missense variant is not expected to disrupt SDHA protein function with a negative predictive value of 95%. In summary, the available evidence is currently insufficient to determine the role of this variant in disease. Therefore, it has been classified as a Variant of Uncertain Significance.

GeneDx
Classification: Uncertain significance. Last evaluated: 2020-07-10. Review status: criteria provided, single submitter. Criteria: GeneDx Variant Classification Process June 2021. Collection method: clinical testing. Allele origin: germline. Affected: yes.
Comment: Has not been previously published as pathogenic or benign to our knowledge; Not observed at a significant frequency in large population cohorts (Lek et al., 2016); In silico analysis supports that this missense variant has a deleterious effect on protein structure/function

NM_004168.4(SDHA):c.905G>A (p.Gly302Asp)

Gene: SDHA (succinate dehydrogenase complex flavoprotein subunit A; plus strand). Cytogenetic location: 5p15.33.
Variant type: single nucleotide variant.
Coding change: c.905G>A on transcript NM_004168.4 (MANE Select); coding-DNA position 905, G replaced by A.
Protein change: p.Gly302Asp; replaces glycine 302 with aspartic acid.
Molecular consequence: missense variant.
Genome position (GRCh38, 1-based): chr5:233,486, G>A. VCF-style: chr5-233486-G-A. GRCh37 (hg19) VCF-style: chr5-233601-G-A.
Other names: c.761G>A, p.Gly254Asp (NM_001294332.2); c.905G>A, p.Gly302Asp (NM_001330758.2); short protein forms G254D, G302D.
Identifiers: ClinVar variation 1023295 (VCV001023295.15), dbSNP rs1735544082, ClinGen allele CA359012525.
Genomic context (GRCh38, chr5:233,486, plus strand): 5'-AAATAGAGATCTAGCAATTGTTAGGTAATAAATATGTGTGGTTTTTTGCAGGCATATATG[G>A]TGCTGGTTGTCTCATTACGGAAGGATGTCGTGGAGAGGGAGGCATTCTCATTAACAGTCA-3'
Protein context (NP_004159.2, residues 292-312): FVQFHPTGIY[Gly302Asp]AGCLITEGCR